The following is an entry in ClinVar:

NM_006208.3(ENPP1):c.*1670T>C

Gene: ENPP1 (ectonucleotide pyrophosphatase/phosphodiesterase 1; plus strand). Cytogenetic location: 6q23.2.
Variant type: single nucleotide variant.
Coding change: c.*1670T>C on transcript NM_006208.3 (MANE Select); 1670 bases downstream of the stop codon, T replaced by C.
Molecular consequence: 3 prime UTR variant.
Genome position (GRCh38, 1-based): chr6:131,892,181, T>C. VCF-style: chr6-131892181-T-C. GRCh37 (hg19) VCF-style: chr6-132213321-T-C.
Identifiers: ClinVar variation 355395 (VCV000355395.5), dbSNP rs9493122, ClinGen allele CA10622957.

ClinVar aggregate classification (germline): Benign. Review status: criteria provided, single submitter (1 of 4 stars). 2 submissions from 1 submitter: Benign (2). Last evaluated 2018-01-13.

Conditions:
Arterial calcification, generalized, of infancy, 1 (GACI1). Also called: Idiopathic Infantile Arterial Calcification. Identifiers: Orphanet 51608, MedGen C4551985, MONDO:0008817, OMIM 208000.
Hypophosphatemic rickets, autosomal recessive, 2 (ARHR2). Identifiers: Orphanet 289176, MedGen C2750078, MONDO:0013219, OMIM 613312.

Allele frequency attached by ClinVar (database versions not stated): 1000 Genomes Project 0.03734; 1000 Genomes Project 30x 0.03951; gnomAD 0.04362 and 0.04663; TOPMed 0.04972.

Submissions (2):

Illumina Laboratory Services, Illumina
Classification: Benign for Arterial calcification, generalized, of infancy, 1. Last evaluated: 2018-01-13. Review status: criteria provided, single submitter. Criteria: ICSL Variant Classification Criteria 13 December 2019. Collection method: clinical testing. Allele origin: germline.
Comment: This variant was observed in the ICSL laboratory as part of a predisposition screen in an ostensibly healthy population. It had not been previously curated by ICSL or reported in the Human Gene Mutation Database (HGMD: prior to June 1st, 2018), and was therefore a candidate for classification through an automated scoring system. Utilizing variant allele frequency, disease prevalence and penetrance estimates, and inheritance mode, an automated score was calculated to assess if this variant is too frequent to cause the disease. Based on the score and internal cut-off values, a variant classified as benign is not then subjected to further curation. The score for this variant resulted in a classification of benign for this disease.

Illumina Laboratory Services, Illumina
Classification: Benign for Hypophosphatemic rickets, autosomal recessive, 2. Last evaluated: 2018-01-13. Review status: criteria provided, single submitter. Criteria: ICSL Variant Classification Criteria 13 December 2019. Collection method: clinical testing. Allele origin: germline.
Comment: the same text as in the submission from Illumina Laboratory Services, Illumina above.